The following is an entry in ClinVar:

ClinVar aggregate classification (germline): Uncertain significance. Review status: criteria provided, multiple submitters, no conflicts (2 of 4 stars). 2 submissions from 2 submitters: Uncertain significance (2). Last evaluated 2023-12-11.

Conditions:
Inborn genetic diseases. Identifiers: MedGen C0950123, MeSH D030342.
Hyperekplexia 2 (HKPX2). Identifiers: Orphanet 3197, MedGen C3553291, MONDO:0013828, OMIM 614619.

Allele frequency attached by ClinVar (database versions not stated): ExAC 0.00001; TOPMed 0.00001; gnomAD exomes 0.00002.
gnomAD v4.1: 32 of 1,613,208 alleles (0.002%); highest among the groups gnomAD compares: Non-Finnish European, 0.0025%; 1 homozygote.

Submissions (2):

Labcorp Genetics (formerly Invitae), Labcorp
Classification: Uncertain significance for Hyperekplexia 2. Last evaluated: 2023-12-11. Review status: criteria provided, single submitter. Criteria: Invitae Variant Classification Sherloc (09022015). Collection method: clinical testing. Allele origin: germline.
Comment: This sequence change replaces arginine, which is basic and polar, with methionine, which is neutral and non-polar, at codon 115 of the GLRB protein (p.Arg115Met). This variant is present in population databases (rs764190780, gnomAD 0.003%). This variant has not been reported in the literature in individuals affected with GLRB-related conditions. ClinVar contains an entry for this variant (Variation ID: 2154250). Advanced modeling of protein sequence and biophysical properties (such as structural, functional, and spatial information, amino acid conservation, physicochemical variation, residue mobility, and thermodynamic stability) performed at Invitae indicates that this missense variant is expected to disrupt GLRB protein function with a positive predictive value of 80%. In summary, the available evidence is currently insufficient to determine the role of this variant in disease. Therefore, it has been classified as a Variant of Uncertain Significance.

Ambry Genetics
Classification: Uncertain significance for Inborn genetic diseases. Last evaluated: 2023-08-21. Review status: criteria provided, single submitter. Criteria: Ambry Variant Classification Scheme 2023. Collection method: clinical testing. Allele origin: germline.

NM_000824.5(GLRB):c.344G>T (p.Arg115Met)

Gene: GLRB (glycine receptor beta; plus strand). Cytogenetic location: 4q32.1.
Variant type: single nucleotide variant.
Coding change: c.344G>T on transcript NM_000824.5 (MANE Select); coding-DNA position 344, G replaced by T.
Protein change: p.Arg115Met; replaces arginine 115 with methionine.
Molecular consequence: missense variant.
Genome position (GRCh38, 1-based): chr4:157,136,515, G>T. VCF-style: chr4-157136515-G-T. GRCh37 (hg19) VCF-style: chr4-158057667-G-T.
Other names: c.344G>T, p.Arg115Met (NM_001166060.2, NM_001166061.2); c.344G>T (NM_000824.4); short protein forms R115M.
Identifiers: ClinVar variation 2154250 (VCV002154250.6), dbSNP rs764190780, ClinGen allele CA3119735.